The following is an entry in ClinVar:

ClinVar aggregate classification (germline): Pathogenic/Likely pathogenic. Review status: criteria provided, multiple submitters, no conflicts (2 of 4 stars). 2 submissions from 2 submitters: Pathogenic (1); Likely pathogenic (1). Last evaluated 2024-03-05.

Conditions:
Retinal dystrophy. Also called: Inherited retinal dystrophy. Identifiers: Orphanet 71862, MedGen C0854723, MeSH D058499, MONDO:0019118, HP:0000556.

Submissions (2):

Labcorp Genetics (formerly Invitae), Labcorp
Classification: Pathogenic. Last evaluated: 2024-03-05. Review status: criteria provided, single submitter. Criteria: Invitae Variant Classification Sherloc (09022015). Collection method: clinical testing. Allele origin: germline.
Comment: This sequence change creates a premature translational stop signal (p.Ser1117Alafs*46) in the EYS gene. It is expected to result in an absent or disrupted protein product. Loss-of-function variants in EYS are known to be pathogenic (PMID: 18836446, 20333770). This variant is not present in population databases (gnomAD no frequency). This variant has not been reported in the literature in individuals affected with EYS-related conditions. For these reasons, this variant has been classified as Pathogenic.

Dept Of Ophthalmology, Nagoya University
Classification: Likely pathogenic for Retinal dystrophy. Last evaluated: 2023-10-01. Review status: criteria provided, single submitter. Criteria: Submitter's publication. Collection method: research. Allele origin: germline. Affected: yes.

Literature cited by the submitters: PubMed 18836446 (cited by Labcorp Genetics (formerly Invitae), Labcorp); PubMed 20333770 (cited by Labcorp Genetics (formerly Invitae), Labcorp).

NM_001142800.2(EYS):c.3349del (p.Ser1117fs)

Gene: EYS (EGF-like photoreceptor maintenance factor; minus strand). Cytogenetic location: 6q12.
Variant type: Deletion.
Coding change: c.3349del on transcript NM_001142800.2 (MANE Select); coding-DNA position 3349, one base deleted (A; older notation c.3349delA).
Protein change: p.Ser1117fs; shifts the reading frame from serine 1117.
Molecular consequence: frameshift variant.
Genome position (GRCh38, 1-based): chr6:64,813,472, T deleted on the plus strand (A on the coding strand, the reverse complement: EYS is on the minus strand); the first of 6 consecutive T bases (chr6:64,813,472-64,813,477); deleting any one gives the same sequence. VCF-style (leftmost placement, unchanged base first): chr6-64813471-CT-C. GRCh37 (hg19) VCF-style: chr6-65523364-CT-C.
Other names: c.3349del, p.Ser1117fs (NM_001292009.2); c.3349delA (NM_001142800.2); short protein forms S1117fs.
Identifiers: ClinVar variation 3027813 (VCV003027813.3), dbSNP rs1370598098, ClinGen allele CA2740091393.